The following is an entry in ClinVar:

NM_177924.5(ASAH1):c.1144G>A (p.Glu382Lys)

Gene: ASAH1 (N-acylsphingosine amidohydrolase 1; minus strand). Cytogenetic location: 8p22.
Variant type: single nucleotide variant.
Coding change: c.1144G>A on transcript NM_177924.5 (MANE Select); coding-DNA position 1144, G replaced by A.
Protein change: p.Glu382Lys; replaces glutamic acid 382 with lysine.
Molecular consequence: missense variant.
Genome position (GRCh38, 1-based): chr8:18,057,578, C>T on the plus strand (G>A on the coding strand, the complement: ASAH1 is on the minus strand). VCF-style: chr8-18057578-C-T. GRCh37 (hg19) VCF-style: chr8-17915087-C-T.
Other names: c.1126G>A, p.Glu376Lys (NM_001127505.3); c.949G>A, p.Glu317Lys (NM_001363743.2); c.1192G>A, p.Glu398Lys (NM_004315.6); short protein forms E376K, E317K, E382K, E398K.
Identifiers: ClinVar variation 911466 (VCV000911466.40), dbSNP rs148976489, ClinGen allele CA4650498.

ClinVar aggregate classification (germline): Uncertain significance. Review status: criteria provided, multiple submitters, no conflicts (2 of 4 stars). 7 submissions from 7 submitters: Uncertain significance (7). Last evaluated 2026-02-20.

Conditions:
Farber lipogranulomatosis (FRBRL). Also called: Farber's lipogranulomatosis; Farber's disease; Farber disease; AC DEFICIENCY; ACID CERAMIDASE DEFICIENCY; CERAMIDASE DEFICIENCY. Identifiers: Orphanet 333, MedGen C0268255, MONDO:0009218, OMIM 228000.
Spinal muscular atrophy-progressive myoclonic epilepsy syndrome. Also called: Spinal Muscular Atrophy with Progressive Myoclonic Epilepsy (SMA-PME); MYOCLONUS, HEREDITARY, WITH PROGRESSIVE DISTAL MUSCULAR ATROPHY; Spinal muscular atrophy with progressive myoclonic epilepsy; Hereditary myoclonus and progressive distal muscular atrophy. Identifiers: Orphanet 2590, MedGen C1834569, MONDO:0008045, OMIM 159950.

Allele frequency attached by ClinVar (database versions not stated): 1000 Genomes Project 30x 0.00016; TOPMed 0.00017; 1000 Genomes Project 0.00020; gnomAD exomes 0.00020 and 0.00033; gnomAD 0.00024; ESP Exome Variant Server 0.00031; ExAC 0.00046.
gnomAD v4.1: 332 of 1,604,366 alleles (0.021%); highest among the groups gnomAD compares: South Asian, 0.036%; 2 homozygotes.

Submissions (7):

GeneDx
Classification: Uncertain significance. Last evaluated: 2026-02-20. Review status: criteria provided, single submitter. Criteria: GeneDx Variant Classification Process June 2021. Collection method: clinical testing. Allele origin: germline.
Comment: Observed in a cohort of individuals with Parkinson disease, however, additional clinical information was not provided (PMID: 29140481); In silico analysis supports that this missense variant has a deleterious effect on protein structure/function; This variant is associated with the following publications: (PMID: 29140481, 36993451)

Blueprint Genetics
Classification: Uncertain significance. Last evaluated: 2024-11-26. Review status: criteria provided, single submitter. Criteria: ACMG Guidelines, 2015. Collection method: clinical testing. Allele origin: germline.

Labcorp Genetics (formerly Invitae), Labcorp
Classification: Uncertain significance. Last evaluated: 2024-01-24. Review status: criteria provided, single submitter. Criteria: Invitae Variant Classification Sherloc (09022015). Collection method: clinical testing. Allele origin: germline.
Comment: This sequence change replaces glutamic acid, which is acidic and polar, with lysine, which is basic and polar, at codon 382 of the ASAH1 protein (p.Glu382Lys). This variant is present in population databases (rs148976489, gnomAD 0.06%). This variant has not been reported in the literature in individuals affected with ASAH1-related conditions. ClinVar contains an entry for this variant (Variation ID: 911466). Advanced modeling of protein sequence and biophysical properties (such as structural, functional, and spatial information, amino acid conservation, physicochemical variation, residue mobility, and thermodynamic stability) performed at Invitae indicates that this missense variant is not expected to disrupt ASAH1 protein function with a negative predictive value of 80%. Algorithms developed to predict the effect of sequence changes on RNA splicing suggest that this variant may disrupt the consensus splice site. In summary, the available evidence is currently insufficient to determine the role of this variant in disease. Therefore, it has been classified as a Variant of Uncertain Significance.

CeGaT Center for Human Genetics Tuebingen
Classification: Uncertain significance. Last evaluated: 2023-07-01. Review status: criteria provided, single submitter. Criteria: CeGaT Center For Human Genetics Tuebingen Variant Classification Criteria Version 2. Collection method: clinical testing. Allele origin: germline. Affected: yes. Observed: 1 variant allele.
Comment: ASAH1: PM2:Supporting

Fulgent Genetics
Classification: Uncertain significance for Spinal muscular atrophy-progressive myoclonic epilepsy syndrome; Farber lipogranulomatosis. Last evaluated: 2022-03-29. Review status: criteria provided, single submitter. Criteria: ACMG Guidelines, 2015. Collection method: clinical testing. Allele origin: unknown.

Mayo Clinic Laboratories, Mayo Clinic
Classification: Uncertain significance. Last evaluated: 2019-12-27. Review status: criteria provided, single submitter. Criteria: ACMG Guidelines, 2015. Collection method: clinical testing. Allele origin: germline. Observed: 1 variant allele.

Illumina Laboratory Services, Illumina
Classification: Uncertain significance for Farber lipogranulomatosis. Last evaluated: 2017-04-27. Review status: criteria provided, single submitter. Criteria: ICSL Variant Classification Criteria 13 December 2019. Collection method: clinical testing. Allele origin: germline.